The following is an entry in ClinVar:

ClinVar aggregate classification (germline): Uncertain significance. Review status: criteria provided, multiple submitters, no conflicts (2 of 4 stars). 2 submissions from 2 submitters: Uncertain significance (2). Last evaluated 2019-11-27.

Allele frequency attached by ClinVar (database versions not stated): ExAC 0.00002; gnomAD exomes 0.00002 and 0.00004; gnomAD 0.00013 and 0.00014; TOPMed 0.00024.
gnomAD v4.1: 57 of 1,611,376 alleles (0.0035%); highest among the groups gnomAD compares: African/African-American, 0.061%; 1 homozygote.

Submissions (2):

GeneDx
Classification: Uncertain significance. Last evaluated: 2019-11-27. Review status: criteria provided, single submitter. Criteria: GeneDx Variant Classification Process June 2021. Collection method: clinical testing. Allele origin: germline. Affected: yes.
Comment: Has not been previously published as pathogenic or benign to our knowledge; In silico analysis, which includes protein predictors and evolutionary conservation, supports a deleterious effect

Genetic Services Laboratory, University of Chicago
Classification: Uncertain significance. Last evaluated: 2017-11-10. Review status: criteria provided, single submitter. Criteria: ACMG Guidelines, 2015. Collection method: clinical testing. Allele origin: germline. Affected: no.

NM_020639.3(RIPK4):c.1417A>G (p.Thr473Ala)

Gene: RIPK4 (receptor interacting serine/threonine kinase 4; minus strand). Cytogenetic location: 21q22.3.
Variant type: single nucleotide variant.
Coding change: c.1417A>G on transcript NM_020639.3 (MANE Select); coding-DNA position 1417, A replaced by G.
Protein change: p.Thr473Ala; replaces threonine 473 with alanine.
Molecular consequence: missense variant.
Genome position (GRCh38, 1-based): chr21:41,741,776, T>C on the plus strand (A>G on the coding strand, the complement: RIPK4 is on the minus strand). VCF-style: chr21-41741776-T-C. GRCh37 (hg19) VCF-style: chr21-43161936-T-C.
Other names: short protein forms T473A.
Identifiers: ClinVar variation 1310640 (VCV001310640.6), dbSNP rs778801615, ClinGen allele CA10035314.
Genomic context (GRCh38, chr21:41,741,776, plus strand): 5'-GCGCCAGCAGGAGCTCCACGACACCCCGCACCCTCCTCTCCACGGCCATGTGCAACGGGG[T>C]GGAGCCCCTACGGTTGCTCAGGTTGGGGTTGGCATTGTTGAGCAGCAGCCACTTGGCGCA-3'
Protein context (NP_065690.2, residues 463-483): NPNLSNRRGS[Thr473Ala]PLHMAVERRV